The following is an entry in ClinVar:

NM_014363.6(SACS):c.8853T>C (p.Val2951=)

Gene: SACS (sacsin molecular chaperone; minus strand). Cytogenetic location: 13q12.12.
Variant type: single nucleotide variant.
Coding change: c.8853T>C on transcript NM_014363.6 (MANE Select); coding-DNA position 8853, T replaced by C.
Protein change: p.Val2951=; no amino-acid change (valine 2951 retained).
Molecular consequence: synonymous variant.
Genome position (GRCh38, 1-based): chr13:23,335,023, A>G on the plus strand (T>C on the coding strand, the complement: SACS is on the minus strand). VCF-style: chr13-23335023-A-G. GRCh37 (hg19) VCF-style: chr13-23909162-A-G.
Other names: c.8412T>C, p.Val2804= (NM_001278055.2).
Identifiers: ClinVar variation 130205 (VCV000130205.38), dbSNP rs9552929, ClinGen allele CA155048.

ClinVar aggregate classification (germline): Benign/Likely benign. Review status: criteria provided, multiple submitters, no conflicts (2 of 4 stars). 15 submissions from 15 submitters: Benign (8); Likely benign (2). 5 of the submissions do not count toward it. Last evaluated 2026-02-04.

Conditions:
Hereditary spastic paraplegia. Also called: Familial spastic paraparesis. Identifiers: Orphanet 685, MedGen C0037773, MONDO:0019064. Disease mechanism: loss of function.
Charlevoix-Saguenay spastic ataxia (SACS). Also called: SPASTIC ATAXIA 6, AUTOSOMAL RECESSIVE; AUTOSOMAL RECESSIVE SPASTIC ATAXIA OF CHARLEVOIX-SAGUENAY; Spastic ataxia of Charlevoix-Saguenay. Identifiers: Orphanet 98, MedGen C1849140, MONDO:0010041, OMIM 270550.
Spastic paraplegia. Identifiers: MedGen C0037772, HP:0001258.

Allele frequency attached by ClinVar (database versions not stated): ESP Exome Variant Server 0.20475; gnomAD 0.21755 and 0.22601; TOPMed 0.22955; 1000 Genomes Project 30x 0.25234; 1000 Genomes Project 0.25919.
gnomAD v4.1: 423,104 of 1,613,350 alleles (26%); highest among the groups gnomAD compares: Admixed American, 36%; 58,049 homozygotes.

Submissions (15):

Labcorp Genetics (formerly Invitae), Labcorp
Classification: Benign for Spastic paraplegia. Last evaluated: 2026-02-04. Review status: criteria provided, single submitter. Criteria: Invitae Variant Classification Sherloc (09022015). Collection method: clinical testing. Allele origin: germline.

Blueprint Genetics
Classification: Likely benign. Last evaluated: 2024-11-27. Review status: criteria provided, single submitter. Criteria: ACMG Guidelines, 2015. Collection method: clinical testing. Allele origin: germline.

Genome-Nilou Lab
Classification: Benign for Charlevoix-Saguenay spastic ataxia. Last evaluated: 2021-07-01. Review status: criteria provided, single submitter. Criteria: ACMG Guidelines, 2015. Collection method: clinical testing. Allele origin: germline. Affected: no.

Athena Diagnostics
Classification: Benign. Last evaluated: 2019-09-04. Review status: criteria provided, single submitter. Criteria: Athena Diagnostics Criteria. Collection method: clinical testing. Allele origin: unknown.

GeneDx
Classification: Benign. Last evaluated: 2018-07-31. Review status: criteria provided, single submitter. Criteria: GeneDx Variant Classification Process June 2021. Collection method: clinical testing. Allele origin: germline. Affected: yes.
Comment: This variant is associated with the following publications: (PMID: 19779133)

Women's Health and Genetics/Laboratory Corporation of America, LabCorp
Classification: Benign. Last evaluated: 2017-10-19. Review status: criteria provided, single submitter. Criteria: LabCorp Variant Classification Summary - May 2015. Collection method: clinical testing. Allele origin: germline.
Comment: Variant summary: The SACS c.8853T>C (p.Val2951Val) variant involves the alteration of a non-conserved nucleotide, resulting in a synonymous change. One in silico tool predicts a polymorphism outcome for this variant. 5/5 splice prediction tools predict no significant impact on normal splicing. ESE finder predicts that this variant may affect ESE site of SRp55. However, these predictions have yet to be confirmed by functional studies. This variant was found in 74944/252514 control chromosomes (127 homozygotes) at a frequency of 0.2967915, which is approximately 38 times the estimated maximal expected allele frequency of a pathogenic SACS variant (0.0079057), suggesting this variant is likely a benign polymorphism. This variant has been reported in a validation study with high allele frequency and was classified as polymorphism by authors (Vermeer_2009). In addition, multiple clinical diagnostic laboratories/reputable databases classified this variant as benign/likely benign. Taken together, this variant is classified as benign.

Genome Diagnostics Laboratory, The Hospital for Sick Children
Classification: Benign for Hereditary spastic paraplegia. Last evaluated: 2016-12-12. Review status: criteria provided, single submitter. Criteria: ACMG Guidelines, 2015. Collection method: clinical testing. Allele origin: germline. Affected: yes.

Eurofins Ntd Llc (ga)
Classification: Benign. Last evaluated: 2014-09-24. Review status: criteria provided, single submitter. Criteria: EGL Classification Definitions 2015. Collection method: clinical testing. Allele origin: germline.

Breakthrough Genomics
Classification: Likely benign. Review status: criteria provided, single submitter. Criteria: ACMG Guidelines, 2015. Collection method: not provided. Allele origin: germline. Inheritance: Autosomal recessive inheritance. Affected: yes.

PreventionGenetics, part of Exact Sciences
Classification: Benign. Review status: criteria provided, single submitter. Criteria: ACMG Guidelines, 2015. Collection method: clinical testing. Allele origin: germline.

Natera, Inc.
Classification: Benign for Charlevoix-Saguenay type spastic ataxia. Last evaluated: 2020-09-16. Review status: no assertion criteria provided. Collection method: clinical testing. Allele origin: germline. Not counted in ClinVar's aggregate classification.

Mayo Clinic Laboratories, Mayo Clinic
Classification: Benign. Last evaluated: 2016-02-19. Review status: no assertion criteria provided. Collection method: clinical testing. Allele origin: unknown. Not counted in ClinVar's aggregate classification.

Clinical Genetics DNA and cytogenetics Diagnostics Lab, Erasmus MC, Erasmus Medical Center
Classification: Benign. Review status: no assertion criteria provided. Collection method: clinical testing. Allele origin: germline. Affected: yes. Study: VKGL Data-share Consensus. Not counted in ClinVar's aggregate classification.

Genetic Services Laboratory, University of Chicago
Classification: Likely benign for AllHighlyPenetrant. Review status: no assertion criteria provided. Collection method: clinical testing. Allele origin: germline. Inheritance: Autosomal recessive inheritance. Not counted in ClinVar's aggregate classification.
Comment: Likely benign based on allele frequency in 1000 Genomes Project or ESP global frequency and its presence in a patient with a rare or unrelated disease phenotype. NOT Sanger confirmed.

Joint Genome Diagnostic Labs from Nijmegen and Maastricht, Radboudumc and MUMC+
Classification: Benign. Review status: no assertion criteria provided. Collection method: clinical testing. Allele origin: germline. Affected: yes. Study: VKGL Data-share Consensus. Not counted in ClinVar's aggregate classification.

Literature cited by the submitters: PubMed 19779133 (cited by Women's Health and Genetics/Laboratory Corporation of America, LabCorp).